The following is an entry in ClinVar:

ClinVar aggregate classification (germline): Uncertain significance (1 of 4 stars; one submission).

Submission:

GeneDx
Classification: Uncertain significance. Last evaluated: 2024-01-03. Review status: criteria provided, single submitter. Criteria: GeneDx Variant Classification Process June 2021. Collection method: clinical testing. Allele origin: germline. Affected: yes.
Comment: Not observed at significant frequency in large population cohorts (gnomAD); In silico analysis supports that this missense variant does not alter protein structure/function; Has not been previously published as pathogenic or benign to our knowledge

NM_181332.3(NLGN4X):c.1894A>G (p.Ile632Val)

Gene: NLGN4X (neuroligin 4 X-linked; minus strand). Cytogenetic location: Xp22.32.
Variant type: single nucleotide variant.
Coding change: c.1894A>G on transcript NM_181332.3 (MANE Select); coding-DNA position 1894, A replaced by G.
Protein change: p.Ile632Val; replaces isoleucine 632 with valine.
Molecular consequence: missense variant.
Genome position (GRCh38, 1-based): chrX:5,893,374, T>C on the plus strand (A>G on the coding strand, the complement: NLGN4X is on the minus strand). VCF-style: chrX-5893374-T-C. GRCh37 (hg19) VCF-style: chrX-5811415-T-C.
Other names: c.1894A>G, p.Ile632Val (NM_001282145.2, NM_001282146.2, NM_020742.4); short protein forms I632V.
Identifiers: ClinVar variation 3367548 (VCV003367548.1).
Genomic context (GRCh38, chrX:5,893,374, plus strand): 5'-CCTTAGAGTGTTTGGGATTGTTGGCAGGAGTGATTGCTGGGCGTTTGGTGGTTGGCCATA[T>C]CTTGGCGGGAGATCGCCGGGTGCCATAGGGAAATGATGTCATGTCTGGTGGAGGAACCTT-3'
Protein context (NP_851849.1, residues 622-642): PYGTRRSPAK[Ile632Val]WPTTKRPAIT